The following is an entry in ClinVar:

ClinVar aggregate classification (germline): Uncertain significance (1 of 4 stars; one submission).

Allele frequency attached by ClinVar (database versions not stated): gnomAD exomes below 0.00001; TOPMed 0.00002.
gnomAD v4.1: 5 of 1,604,692 alleles (0.00031%); highest among the groups gnomAD compares: South Asian, 0.0033%; no homozygotes.

Submission:

Labcorp Genetics (formerly Invitae), Labcorp
Classification: Uncertain significance. Last evaluated: 2022-11-01. Review status: criteria provided, single submitter. Criteria: Invitae Variant Classification Sherloc (09022015). Collection method: clinical testing. Allele origin: germline.
Comment: This variant has not been reported in the literature in individuals affected with RUNX2-related conditions. This variant is not present in population databases (gnomAD no frequency). This sequence change replaces histidine, which is basic and polar, with glutamine, which is neutral and polar, at codon 97 of the RUNX2 protein (p.His97Gln). In summary, the available evidence is currently insufficient to determine the role of this variant in disease. Therefore, it has been classified as a Variant of Uncertain Significance. Advanced modeling of protein sequence and biophysical properties (such as structural, functional, and spatial information, amino acid conservation, physicochemical variation, residue mobility, and thermodynamic stability) performed at Invitae indicates that this missense variant is not expected to disrupt RUNX2 protein function. ClinVar contains an entry for this variant (Variation ID: 1351184).

NM_001024630.4(RUNX2):c.291C>A (p.His97Gln)

Gene: RUNX2 (RUNX family transcription factor 2; plus strand). Cytogenetic location: 6p21.1.
Variant type: single nucleotide variant.
Coding change: c.291C>A on transcript NM_001024630.4 (MANE Select); coding-DNA position 291, C replaced by A.
Protein change: p.His97Gln; replaces histidine 97 with glutamine.
Molecular consequence: missense variant.
Genome position (GRCh38, 1-based): chr6:45,422,825, C>A. VCF-style: chr6-45422825-C-A. GRCh37 (hg19) VCF-style: chr6-45390562-C-A.
Other names: c.291C>A, p.His97Gln (NM_001015051.4); c.249C>A, p.His83Gln (NM_001278478.2, NM_001369405.1); short protein forms H83Q, H97Q.
Identifiers: ClinVar variation 1351184 (VCV001351184.8), dbSNP rs1183896411, ClinGen allele CA363958220.